The following is an entry in ClinVar:

NM_003458.4(BSN):c.4980C>T (p.Thr1660=)

Gene: BSN (bassoon presynaptic cytomatrix protein; plus strand). Cytogenetic location: 3p21.31.
Variant type: single nucleotide variant.
Coding change: c.4980C>T on transcript NM_003458.4 (MANE Select); coding-DNA position 4980, C replaced by T.
Protein change: p.Thr1660=; no amino-acid change (threonine 1660 retained).
Molecular consequence: synonymous variant.
Genome position (GRCh38, 1-based): chr3:49,654,536, C>T. VCF-style: chr3-49654536-C-T. GRCh37 (hg19) VCF-style: chr3-49691969-C-T.
Other names: c.4980C>T (NM_003458.3).
Identifiers: ClinVar variation 2653835 (VCV002653835.25), dbSNP rs138253818, ClinGen allele CA2400248.

ClinVar aggregate classification (germline): Likely benign. Review status: criteria provided, single submitter (1 of 4 stars). 2 submissions from 2 submitters: Likely benign (1). 1 of the submissions does not count toward it. Last evaluated 2022-12-01.

Conditions:
BSN-related disorder. Also called: BSN-related condition.

Allele frequency attached by ClinVar (database versions not stated): gnomAD exomes 0.00019; ExAC 0.00046; 1000 Genomes Project 30x 0.00062; 1000 Genomes Project 0.00080.
gnomAD v4.1: 302 of 1,610,820 alleles (0.019%); highest among the groups gnomAD compares: South Asian, 0.28%; 1 homozygote.

Submissions (2):

CeGaT Center for Human Genetics Tuebingen
Classification: Likely benign. Last evaluated: 2022-12-01. Review status: criteria provided, single submitter. Criteria: CeGaT Center For Human Genetics Tuebingen Variant Classification Criteria Version 2. Collection method: clinical testing. Allele origin: germline. Affected: yes. Observed: 1 variant allele.
Comment: BSN: BP4, BP7

PreventionGenetics, part of Exact Sciences
Classification: Likely benign for BSN-related condition. Last evaluated: 2019-05-24. Review status: no assertion criteria provided. Collection method: clinical testing. Allele origin: germline. Not counted in ClinVar's aggregate classification.
Comment: This variant is classified as likely benign based on ACMG/AMP sequence variant interpretation guidelines (Richards et al. 2015 PMID: 25741868, with internal and published modifications).